The following is an entry in ClinVar:

ClinVar aggregate classification (germline): Uncertain significance (1 of 4 stars; one submission).

Submission:

Ambry Genetics
Classification: Uncertain significance. Last evaluated: 2025-05-05. Review status: criteria provided, single submitter. Criteria: Ambry Variant Classification Scheme 2023. Collection method: clinical testing. Allele origin: germline.
Comment: The p.E454Q variant (also known as c.1360G>C), located in coding exon 2 of the CDK12 gene, results from a G to C substitution at nucleotide position 1360. The glutamic acid at codon 454 is replaced by glutamine, an amino acid with highly similar properties. This amino acid position is conserved. In addition, this alteration is predicted to be tolerated by in silico analysis. Based on the available evidence, the clinical significance of this variant remains unclear.

NM_016507.4(CDK12):c.1360G>C (p.Glu454Gln)

Gene: CDK12 (cyclin dependent kinase 12; plus strand). Cytogenetic location: 17q12.
Variant type: single nucleotide variant.
Coding change: c.1360G>C on transcript NM_016507.4 (MANE Select); coding-DNA position 1360, G replaced by C.
Protein change: p.Glu454Gln; replaces glutamic acid 454 with glutamine.
Molecular consequence: missense variant.
Genome position (GRCh38, 1-based): chr17:39,471,192, G>C. VCF-style: chr17-39471192-G-C. GRCh37 (hg19) VCF-style: chr17-37627445-G-C.
Other names: c.1360G>C, p.Glu454Gln (NM_015083.4); short protein forms E454Q.
Identifiers: ClinVar variation 3999429 (VCV003999429.1).
Genomic context (GRCh38, chr17:39,471,192, plus strand): 5'-TCAGTAGAGGCTAAGGATTCAGGTTTGGAGTCTAAAAAGTTACCCAGAAGTGTAAAATTG[G>C]AAAAATCTGCCCCAGATACTGAACTGGTGAATGTAACACATCTAAACACAGAGGTAAAAA-3'
Protein context (NP_057591.2, residues 444-464): SKKLPRSVKL[Glu454Gln]KSAPDTELVN